The following is an entry in ClinVar:

NM_000393.5(COL5A2):c.2661+13G>T

Gene: COL5A2 (collagen type V alpha 2 chain; minus strand). Cytogenetic location: 2q32.2.
Variant type: single nucleotide variant.
Coding change: c.2661+13G>T on transcript NM_000393.5 (MANE Select); 13 bases into the intron after coding-DNA position 2661, G replaced by T.
Molecular consequence: intron variant.
Genome position (GRCh38, 1-based): chr2:189,052,898, C>A on the plus strand (G>T on the coding strand, the complement: COL5A2 is on the minus strand). VCF-style: chr2-189052898-C-A. GRCh37 (hg19) VCF-style: chr2-189917624-C-A.
Identifiers: ClinVar variation 516155 (VCV000516155.10), dbSNP rs534626192, ClinGen allele CA2022249.

ClinVar aggregate classification (germline): Benign/Likely benign. Review status: criteria provided, multiple submitters, no conflicts (2 of 4 stars). 4 submissions from 4 submitters: Benign (1); Likely benign (3). Last evaluated 2023-07-21.

Conditions:
Ehlers-Danlos syndrome, classic type, 1 (EDSCL1). Also called: Ehlers-Danlos syndrome, type 1; EHLERS-DANLOS SYNDROME, GRAVIS TYPE; EHLERS-DANLOS SYNDROME, SEVERE CLASSIC TYPE; Ehlers-Danlos Syndrome, Classic Type, COL5A1-Related; EDS I. Identifiers: MedGen C0268335, MONDO:0019567, OMIM 130000.
Ehlers-Danlos syndrome, classic type, 2 (EDSCL2). Also called: Ehlers-Danlos syndrome, type 2; Ehlers-Danlos syndrome type 2 (formerly); Ehlers-Danlos Syndrome, Classic Type, COL5A2-Related. Identifiers: Orphanet 287, Orphanet 90318, MedGen C0268336, MONDO:0019568, OMIM 130010.

Allele frequency attached by ClinVar (database versions not stated): gnomAD exomes 0.00001 and 0.00006; gnomAD 0.00002; TOPMed 0.00002; ExAC 0.00006; 1000 Genomes Project 30x 0.00016; 1000 Genomes Project 0.00020.
gnomAD v4.1: 15 of 1,613,560 alleles (0.00093%); highest among the groups gnomAD compares: East Asian, 0.031%; no homozygotes.

Submissions (4):

Labcorp Genetics (formerly Invitae), Labcorp
Classification: Benign for Ehlers-Danlos syndrome, classic type, 1. Last evaluated: 2023-07-21. Review status: criteria provided, single submitter. Criteria: Invitae Variant Classification Sherloc (09022015). Collection method: clinical testing. Allele origin: germline.

Blueprint Genetics
Classification: Likely benign. Last evaluated: 2021-11-17. Review status: criteria provided, single submitter. Criteria: ACMG Guidelines, 2015. Collection method: clinical testing. Allele origin: germline.

Illumina Laboratory Services, Illumina
Classification: Likely benign for Ehlers-Danlos syndrome, classic type, 2. Last evaluated: 2018-01-12. Review status: criteria provided, single submitter. Criteria: ICSL Variant Classification Criteria 13 December 2019. Collection method: clinical testing. Allele origin: germline.
Comment: This variant was observed in the ICSL laboratory as part of a predisposition screen in an ostensibly healthy population. It had not been previously curated by ICSL or reported in the Human Gene Mutation Database (HGMD: prior to June 1st, 2018), and was therefore a candidate for classification through an automated scoring system. Utilizing variant allele frequency, disease prevalence and penetrance estimates, and inheritance mode, an automated score was calculated to assess if this variant is too frequent to cause the disease. Based on the score and internal cut-off values, a variant classified as likely benign is not then subjected to further curation. The score for this variant resulted in a classification of likely benign for this disease.

GeneDx
Classification: Likely benign. Last evaluated: 2017-06-22. Review status: criteria provided, single submitter. Criteria: GeneDx Variant Classification (06012015). Collection method: clinical testing. Allele origin: germline. Affected: yes.
Comment: This variant is considered likely benign or benign based on one or more of the following criteria: it is a conservative change, it occurs at a poorly conserved position in the protein, it is predicted to be benign by multiple in silico algorithms, and/or has population frequency not consistent with disease.